The following is an entry in ClinVar:

NM_006206.6(PDGFRA):c.2083A>C (p.Ser695Arg)

Gene: PDGFRA (platelet derived growth factor receptor alpha; plus strand). Cytogenetic location: 4q12.
Variant type: single nucleotide variant.
Coding change: c.2083A>C on transcript NM_006206.6 (MANE Select); coding-DNA position 2083, A replaced by C.
Protein change: p.Ser695Arg; replaces serine 695 with arginine.
Molecular consequence: missense variant.
Genome position (GRCh38, 1-based): chr4:54,278,442, A>C. VCF-style: chr4-54278442-A-C. GRCh37 (hg19) VCF-style: chr4-55144609-A-C.
Other names: c.2083A>C, p.Ser695Arg (NM_001347827.2, NM_001347829.2); c.2158A>C, p.Ser720Arg (NM_001347828.2); c.2122A>C, p.Ser708Arg (NM_001347830.2); short protein forms S708R, S720R, S695R.
Identifiers: ClinVar variation 5026428 (VCV005026428.1).

ClinVar aggregate classification (germline): Uncertain significance (1 of 4 stars; one submission).

Conditions:
Hereditary cancer-predisposing syndrome. Also called: Neoplastic Syndromes, Hereditary; Tumor predisposition; Hereditary neoplastic syndrome; Hereditary Cancer Syndrome. Identifiers: Orphanet 140162, MedGen C0027672, MeSH D009386, MONDO:0015356.

Submission:

Ambry Genetics
Classification: Uncertain significance for Hereditary cancer-predisposing syndrome. Last evaluated: 2026-07-07. Review status: criteria provided, single submitter. Criteria: Ambry Variant Classification Scheme 2023. Collection method: clinical testing. Allele origin: germline.
Comment: The p.S695R variant (also known as c.2083A>C), located in coding exon 14 of the PDGFRA gene, results from an A to C substitution at nucleotide position 2083. The serine at codon 695 is replaced by arginine, an amino acid with dissimilar properties. This amino acid position is conserved. In addition, the in silico prediction for this alteration is inconclusive. Based on the available evidence, the clinical significance of this variant remains unclear.